The following is an entry in ClinVar:

ClinVar aggregate classification (germline): Pathogenic. Review status: criteria provided, multiple submitters, no conflicts (2 of 4 stars). 8 submissions from 8 submitters: Pathogenic (7). 1 of the submissions does not count toward it. Last evaluated 2025-01-08.

Conditions:
Multiple mitochondrial dysfunctions syndrome 2 (MMDS2). Also called: MULTIPLE MITOCHONDRIAL DYSFUNCTIONS SYNDROME 2 WITH HYPERGLYCINEMIA. Identifiers: Orphanet 401874, MedGen C3280378, MONDO:0013675, OMIM 614299.

Allele frequency attached by ClinVar (database versions not stated): ExAC 0.00002; gnomAD 0.00004 and 0.00005; gnomAD exomes 0.00004; TOPMed 0.00005; ESP Exome Variant Server 0.00015.
gnomAD v4.1: 139 of 1,607,150 alleles (0.0086%); highest among the groups gnomAD compares: Non-Finnish European, 0.0095%; no homozygotes.

Submissions (8):

3billion
Classification: Pathogenic for Multiple mitochondrial dysfunctions syndrome 2. Last evaluated: 2025-01-08. Review status: criteria provided, single submitter. Criteria: ACMG Guidelines, 2015. Collection method: clinical testing. Allele origin: germline. Affected: yes.
Comment: The variant is observed at an extremely low frequency in the gnomAD v4.1.0 dataset (total allele frequency: 0.009%). Predicted Consequence/Location: Stop-gained (nonsense): predicted to result in a loss or disruption of normal protein function through nonsense-mediated decay (NMD) or protein truncation. Multiple pathogenic variants are reported downstream of the variant. The variant has been reported at least twice as pathogenic with clinical assertions and evidence for the classification (ClinVar ID: VCV000224514 /PMID: 24334290 /3billion dataset). Therefore, this variant is classified as Pathogenic according to the recommendation of ACMG/AMP guideline.

Labcorp Genetics (formerly Invitae), Labcorp
Classification: Pathogenic. Last evaluated: 2024-11-04. Review status: criteria provided, single submitter. Criteria: Invitae Variant Classification Sherloc (09022015). Collection method: clinical testing. Allele origin: germline.
Comment: This sequence change creates a premature translational stop signal (p.Arg46*) in the BOLA3 gene. It is expected to result in an absent or disrupted protein product. Loss-of-function variants in BOLA3 are known to be pathogenic (PMID: 21944046, 24334290, 26741492). This variant is present in population databases (rs143492730, gnomAD 0.006%). This premature translational stop signal has been observed in individual(s) with BOLA3-related conditions (PMID: 24334290). ClinVar contains an entry for this variant (Variation ID: 224514). For these reasons, this variant has been classified as Pathogenic.

GeneDx
Classification: Pathogenic. Last evaluated: 2024-06-26. Review status: criteria provided, single submitter. Criteria: GeneDx Variant Classification Process June 2021. Collection method: clinical testing. Allele origin: germline. Affected: yes.
Comment: Observed in homozygous state in several unrelated patients with variant non-ketotic hyperglycinemia in published literature (PMID: 24334290, 28803783); Nonsense variant predicted to result in protein truncation or nonsense mediated decay in a gene for which loss-of-function is a known mechanism of disease; Not observed at significant frequency in large population cohorts (gnomAD); This variant is associated with the following publications: (PMID: 29654549, 28803783, 31918395, 32311335, 33574353, 33084218, 35803560, 34440194, 34298071, 35883565, 24334290)

Revvity Omics, Revvity
Classification: Pathogenic for Multiple mitochondrial dysfunctions syndrome 2. Last evaluated: 2023-03-13. Review status: criteria provided, single submitter. Criteria: ACMG Guidelines, 2015. Collection method: clinical testing. Allele origin: germline.

Victorian Clinical Genetics Services, Murdoch Childrens Research Institute
Classification: Pathogenic for Multiple mitochondrial dysfunctions syndrome 2. Last evaluated: 2018-11-13. Review status: criteria provided, single submitter. Criteria: ACMG Guidelines, 2015. Collection method: clinical testing. Allele origin: maternal. Affected: yes. Observed: 2 variant alleles.
Comment: A heterozygous nonsense variant, NM_212552.2(BOLA3):c.136C>T, has been identified in exon 2 of 4 of the BOLA3 gene. The variant is predicted to result in a premature stop codon at position 46 of the protein (NP_997717.2 (BOLA3):p.(Arg46*)). This variant is predicted to result in loss of protein function through nonsense-mediated decay, which is a reported mechanism of pathogenicity for this gene. The variant is present in the gnomAD database at a frequency of 0.005% (13 heterozygotes, 0 homozygotes). The variant has been previously described as pathogenic (Stutterd, C.A. et al., 2018; Lebigot, E. et al., 2017) and segregated with disease (Baker, P.R. et al., 2014). Additionally, studies show impact in protein function (Lebigot, E. et al., 2017). At least one other pathogenic truncating variant predicted to result in NMD has been reported (ClinVar). Based on the information available at the time of curation, this variant has been classified as PATHOGENIC.

Bruce Lefroy Centre, Murdoch Childrens Research Institute
Classification: Pathogenic for Multiple mitochondrial dysfunctions syndrome 2. Review status: criteria provided, single submitter. Criteria: ACMG Guidelines, 2015. Collection method: research. Allele origin: paternal. Inheritance: Autosomal recessive inheritance. Affected: yes. Observed: 1 variant allele.

Neuberg Centre For Genomic Medicine, NCGM
Classification: Pathogenic for Multiple mitochondrial dysfunctions syndrome 2. Review status: criteria provided, single submitter. Criteria: ACMG Guidelines, 2015. Collection method: clinical testing. Allele origin: germline. Inheritance: Autosomal recessive inheritance. Affected: yes.
Comment: The observed stop gained c.136C>T(p.Arg46Ter) variant in BOLA3 gene has been reported in homozygous state in individuals affected with BOLA3 related disease (Baker PR 2nd, et. al., 2014). The p.Arg46Ter variant has been reported with allele frequency of 0.004% in gnomAD Exomes. This variant has been submitted to the ClinVar database as Pathogenic (multiple submission). The nucleotide change c.136C>T in BOLA3 is predicted as conserved by GERP++ and PhyloP across 100 vertebrates. This variant is predicted to cause loss of normal protein function through protein truncation. Loss of function variants have been previously reported to be disease causing. For these reasons, this variant has been classified as Pathogenic.

OMIM
Classification: Pathogenic for MULTIPLE MITOCHONDRIAL DYSFUNCTIONS SYNDROME 2 WITH HYPERGLYCINEMIA. Last evaluated: 2017-12-22. Review status: no assertion criteria provided. Collection method: literature only. Allele origin: germline. Not counted in ClinVar's aggregate classification.

Literature cited by the submitters: PubMed 24334290 (cited by 3 submitters); PubMed 21944046 (cited by Labcorp Genetics (formerly Invitae), Labcorp); PubMed 26741492 (cited by Labcorp Genetics (formerly Invitae), Labcorp).

NM_212552.3(BOLA3):c.136C>T (p.Arg46Ter)

Gene: BOLA3 (bolA family member 3; minus strand). Cytogenetic location: 2p13.1.
Variant type: single nucleotide variant.
Coding change: c.136C>T on transcript NM_212552.3 (MANE Select); coding-DNA position 136, C replaced by T.
Protein change: p.Arg46Ter; replaces arginine 46 with a stop codon.
Molecular consequence: nonsense.
Genome position (GRCh38, 1-based): chr2:74,145,222, G>A on the plus strand (C>T on the coding strand, the complement: BOLA3 is on the minus strand). VCF-style: chr2-74145222-G-A. GRCh37 (hg19) VCF-style: chr2-74372349-G-A.
Other names: c.136C>T, p.Arg46Ter (NM_001035505.2); short protein forms R46*.
Identifiers: ClinVar variation 224514 (VCV000224514.20), dbSNP rs143492730, ClinGen allele CA352436.